The following is an entry in ClinVar:

ClinVar aggregate classification (germline): Uncertain significance (1 of 4 stars; one submission).

gnomAD v4.1: 1 of 1,602,304 alleles (0.000062%); highest among the groups gnomAD compares: Non-Finnish European, 0.000086%; no homozygotes.

Submission:

Labcorp Genetics (formerly Invitae), Labcorp
Classification: Uncertain significance. Last evaluated: 2025-11-19. Review status: criteria provided, single submitter. Criteria: Invitae Variant Classification Sherloc (09022015). Collection method: clinical testing. Allele origin: germline.
Comment: This sequence change replaces aspartic acid, which is acidic and polar, with histidine, which is basic and polar, at codon 485 of the RASGRP1 protein (p.Asp485His). This variant is not present in population databases (gnomAD no frequency). This variant has not been reported in the literature in individuals affected with RASGRP1-related conditions. Invitae Evidence Modeling of protein sequence and biophysical properties (such as structural, functional, and spatial information, amino acid conservation, physicochemical variation, residue mobility, and thermodynamic stability) indicates that this missense variant is expected to disrupt RASGRP1 protein function with a positive predictive value of 80%. In summary, the available evidence is currently insufficient to determine the role of this variant in disease. Therefore, it has been classified as a Variant of Uncertain Significance.

NM_005739.4(RASGRP1):c.1453G>C (p.Asp485His)

Gene: RASGRP1 (RAS guanyl releasing protein 1; minus strand). Cytogenetic location: 15q14.
Variant type: single nucleotide variant.
Coding change: c.1453G>C on transcript NM_005739.4 (MANE Select); coding-DNA position 1453, G replaced by C.
Protein change: p.Asp485His; replaces aspartic acid 485 with histidine.
Molecular consequence: missense variant.
Genome position (GRCh38, 1-based): chr15:38,502,397, C>G on the plus strand (G>C on the coding strand, the complement: RASGRP1 is on the minus strand). VCF-style: chr15-38502397-C-G. GRCh37 (hg19) VCF-style: chr15-38794598-C-G.
Other names: c.1348G>C, p.Asp450His (NM_001128602.2, NM_001306086.2); short protein forms D485H, D450H.
Identifiers: ClinVar variation 4742790 (VCV004742790.1).